The following is an entry in ClinVar:

NM_020822.3(KCNT1):c.333G>A (p.Ser111=)

Gene: KCNT1 (potassium sodium-activated channel subfamily T member 1; plus strand). Cytogenetic location: 9q34.3.
Variant type: single nucleotide variant.
Coding change: c.333G>A on transcript NM_020822.3 (MANE Select); coding-DNA position 333, G replaced by A.
Protein change: p.Ser111=; no amino-acid change (serine 111 retained).
Molecular consequence: synonymous variant.
Genome position (GRCh38, 1-based): chr9:135,750,176, G>A. VCF-style: chr9-135750176-G-A. GRCh37 (hg19) VCF-style: chr9-138642022-G-A.
Other names: p.Ser111=; c.189G>A, p.Ser63= (NM_001272003.2).
Identifiers: ClinVar variation 196503 (VCV000196503.66), dbSNP rs56008253, ClinGen allele CA202411.
Genomic context (GRCh38, chr9:135,750,176, plus strand): 5'-CGTCAACGAGAACACCTTCAAGGAGCGGCTCAAGCTGTTCTTCATCAAAAACCAAAGATC[G>A]AGTGAGTGGGGTGCCTGGAGGGCCACTCCCAGGCAGGGAGGTGTTGAGGGCGCCGGGAGC-3'
Protein context (NP_065873.2, residues 101-121): LKLFFIKNQR[Ser111=]SLRIRLFNFS

ClinVar aggregate classification (germline): Benign/Likely benign. Review status: criteria provided, multiple submitters, no conflicts (2 of 4 stars). 16 submissions from 15 submitters: Benign (7); Likely benign (6). 3 of the submissions do not count toward it. Last evaluated 2026-09-01.

Conditions:
Inborn genetic diseases. Identifiers: MedGen C0950123, MeSH D030342.
Autosomal dominant nocturnal frontal lobe epilepsy 5. Also called: KCNT1-Related Epilepsy; CILIARY DYSKINESIA, PRIMARY, 28, WITHOUT SITUS INVERSUS; CILIARY DYSKINESIA, PRIMARY, 28, WITH SITUS INVERSUS; Epilepsy, nocturnal frontal lobe, 5. Identifiers: Orphanet 98784, MedGen C3554306, MONDO:0014002, OMIM 615005.
Developmental and epileptic encephalopathy, 14 (DEE14). Also called: Early infantile epileptic encephalopathy 14. Identifiers: Orphanet 293181, MedGen C3554195, MONDO:0013989, OMIM 614959.

Allele frequency attached by ClinVar (database versions not stated): 1000 Genomes Project 0.00120; 1000 Genomes Project 30x 0.00141; ExAC 0.00244; gnomAD exomes 0.00248; gnomAD 0.00273 and 0.00274; TOPMed 0.00285; ESP Exome Variant Server 0.00477.
gnomAD v4.1: 6,791 of 1,612,892 alleles (0.42%); highest among the groups gnomAD compares: Non-Finnish European, 0.52%; 9 homozygotes.

Submissions (16):

CeGaT Center for Human Genetics Tuebingen
Classification: Likely benign. Last evaluated: 2026-09-01. Review status: criteria provided, single submitter. Criteria: CeGaT Center For Human Genetics Tuebingen Variant Classification Criteria Version 2. Collection method: clinical testing. Allele origin: germline. Affected: yes. Observed: 30 variant alleles.
Comment: KCNT1: BP4, BP7, BS1

Labcorp Genetics (formerly Invitae), Labcorp
Classification: Benign for Autosomal dominant nocturnal frontal lobe epilepsy 5; Developmental and epileptic encephalopathy, 14. Last evaluated: 2026-02-02. Review status: criteria provided, single submitter. Criteria: Invitae Variant Classification Sherloc (09022015). Collection method: clinical testing. Allele origin: germline.

ARUP Laboratories, Molecular Genetics and Genomics, ARUP Laboratories
Classification: Benign. Last evaluated: 2025-03-06. Review status: criteria provided, single submitter. Criteria: ARUP Molecular Germline Variant Investigation Process 2024. Collection method: clinical testing. Allele origin: germline.

Athena Diagnostics
Classification: Benign. Last evaluated: 2024-12-02. Review status: criteria provided, single submitter. Criteria: Athena Diagnostics Criteria. Collection method: clinical testing. Allele origin: unknown.
Comment: The frequency of this variant in the general population is higher than would generally be expected for pathogenic variants in this gene.

Blueprint Genetics
Classification: Likely benign. Last evaluated: 2024-11-27. Review status: criteria provided, single submitter. Criteria: ACMG Guidelines, 2015. Collection method: clinical testing. Allele origin: germline.

Genome-Nilou Lab
Classification: Benign for Developmental and epileptic encephalopathy, 14. Last evaluated: 2022-03-15. Review status: criteria provided, single submitter. Criteria: ACMG Guidelines, 2015. Collection method: clinical testing. Allele origin: germline. Affected: no.

Genome-Nilou Lab
Classification: Benign for Autosomal dominant nocturnal frontal lobe epilepsy 5. Last evaluated: 2022-03-15. Review status: criteria provided, single submitter. Criteria: ACMG Guidelines, 2015. Collection method: clinical testing. Allele origin: germline. Affected: no.

Mayo Clinic Laboratories, Mayo Clinic
Classification: Benign. Last evaluated: 2018-09-18. Review status: criteria provided, single submitter. Criteria: ACMG Guidelines, 2015. Collection method: clinical testing. Allele origin: germline. Observed: 3 variant alleles.

Ambry Genetics
Classification: Likely benign for Inborn genetic diseases. Last evaluated: 2016-10-05. Review status: criteria provided, single submitter. Criteria: Ambry Variant Classification Scheme 2023. Collection method: clinical testing. Allele origin: germline.

GeneDx
Classification: Benign. Last evaluated: 2016-02-22. Review status: criteria provided, single submitter. Criteria: GeneDx Variant Classification (06012015). Collection method: clinical testing. Allele origin: germline. Affected: yes.
Comment: This variant is considered likely benign or benign based on one or more of the following criteria: it is a conservative change, it occurs at a poorly conserved position in the protein, it is predicted to be benign by multiple in silico algorithms, and/or has population frequency not consistent with disease.

Eurofins Ntd Llc (ga)
Classification: Likely benign. Last evaluated: 2015-05-28. Review status: criteria provided, single submitter. Criteria: EGL Classification Definitions 2015. Collection method: clinical testing. Allele origin: germline. Observed: 1 variant allele, 1 heterozygote.

Genetic Services Laboratory, University of Chicago
Classification: Likely benign. Last evaluated: 2015-04-03. Review status: criteria provided, single submitter. Criteria: ACMG Guidelines, 2015. Collection method: clinical testing. Allele origin: germline.

Breakthrough Genomics
Classification: Likely benign. Review status: criteria provided, single submitter. Criteria: ACMG Guidelines, 2015. Collection method: not provided. Allele origin: germline. Inheritance: Autosomal dominant inheritance. Affected: yes.

Clinical Genetics DNA and cytogenetics Diagnostics Lab, Erasmus MC, Erasmus Medical Center
Classification: Likely benign. Review status: no assertion criteria provided. Collection method: clinical testing. Allele origin: germline. Affected: yes. Study: VKGL Data-share Consensus. Not counted in ClinVar's aggregate classification.

Diagnostic Laboratory, Department of Genetics, University Medical Center Groningen
Classification: Likely benign. Review status: no assertion criteria provided. Collection method: clinical testing. Allele origin: germline. Affected: yes. Study: VKGL Data-share Consensus. Not counted in ClinVar's aggregate classification.

Genome Diagnostics Laboratory, University Medical Center Utrecht
Classification: Likely benign. Review status: no assertion criteria provided. Collection method: clinical testing. Allele origin: germline. Affected: yes. Study: VKGL Data-share Consensus. Not counted in ClinVar's aggregate classification.

Literature cited by the submitters: PubMed 34670123 (cited by Athena Diagnostics).